The following is an entry in ClinVar:

ClinVar aggregate classification (germline): Uncertain significance (1 of 4 stars; one submission).

Conditions:
Hypotonia, ataxia, and delayed development syndrome (HADDS). Also called: EBF3 Neurodevelopmental Disorder. Identifiers: Orphanet 658843, MedGen C4310618, MONDO:0015021, OMIM 617330.

Submission:

Victorian Clinical Genetics Services, Murdoch Childrens Research Institute
Classification: Uncertain significance for Hypotonia, ataxia, and delayed development syndrome. Last evaluated: 2022-02-02. Review status: criteria provided, single submitter. Criteria: ACMG Guidelines, 2015. Collection method: clinical testing. Allele origin: germline. Inheritance: Autosomal dominant inheritance.
Comment: Based on the classification scheme VCGS_Germline_v1.3.4, this variant is classified as VUS-3A. Following criteria are met: 0103 - Dominant negative and loss of function are known mechanisms of disease in this gene and are associated with hypotonia, ataxia, and delayed development syndrome (MIM#617330). Variants resulting in a premature termination codon have a loss of function effect on protein, whereas missense variant have been demonstrated to have both loss of function and a dominant negative effect (PMID: 28017373). (I) 0107 - This gene is associated with autosomal dominant disease. (I) 0212 - Non-canonical splice site variant without proven consequence on splicing (no functional evidence available). (SP) 0251 - This variant is heterozygous. (I) 0301 - Variant is absent from gnomAD (both v2 and v3). (SP) 0505 - Splice in silico tool predictions are inconclusive, and the affected nucleotide is highly conserved. (I) 0705 - No comparable non-canonical splice variants have previous evidence for pathogenicity. However, additional splice variants in this region (c.544+1G>A, c.544+4A>C) have been reported as pathogenic, and noted to be observed in several individuals with EBF3-related conditions. Both variants had arisen de novo (LOVD, ClinVar). (I) 0807 - This variant has no previous evidence of pathogenicity. (I) 0905 - No published segregation evidence has been identified for this variant. (I) 1007 - No published functional evidence has been identified for this variant. (I) Legend: (SP) - Supporting pathogenic, (I) - Information, (SB) - Supporting benign

Literature cited by the submitters: PubMed 28017373.

NM_001375380.1(EBF3):c.554+5G>A

Gene: EBF3 (EBF transcription factor 3; minus strand). Cytogenetic location: 10q26.3.
Variant type: single nucleotide variant.
Coding change: c.554+5G>A on transcript NM_001375380.1 (MANE Select); 5 bases into the intron after coding-DNA position 554, G replaced by A.
Molecular consequence: intron variant.
Genome position (GRCh38, 1-based): chr10:129,957,253, C>T on the plus strand (G>A on the coding strand, the complement: EBF3 is on the minus strand). VCF-style: chr10-129957253-C-T. GRCh37 (hg19) VCF-style: chr10-131755517-C-T.
Other names: c.554+5G>A (NM_001375392.1, NM_001005463.3, NM_001375390.1 and 3 more transcripts).
Identifiers: ClinVar variation 1699177 (VCV001699177.3), dbSNP rs2134610433, ClinGen allele CA2573131718.